The following is an entry in ClinVar:

NM_002382.5(MAX):c.347C>T (p.Pro116Leu)

Gene: MAX (MYC associated transcriptional regulator X; minus strand). Cytogenetic location: 14q23.3.
Variant type: single nucleotide variant.
Coding change: c.347C>T on transcript NM_002382.5 (MANE Select); coding-DNA position 347, C replaced by T.
Protein change: p.Pro116Leu; replaces proline 116 with leucine.
Molecular consequence: missense variant. On other transcripts: 3 prime UTR variant (12), non-coding transcript variant (7), intron variant (2).
Genome position (GRCh38, 1-based): chr14:65,076,612, G>A on the plus strand (C>T on the coding strand, the complement: MAX is on the minus strand). VCF-style: chr14-65076612-G-A. GRCh37 (hg19) VCF-style: chr14-65543330-G-A.
Other names: c.158C>T, p.Pro53Leu (NM_001320415.2, NM_001407105.1, NM_001407106.1 and 1 more transcripts); c.347C>T, p.Pro116Leu (NM_001407094.1); c.320C>T, p.Pro107Leu (NM_001407095.1, NM_145112.3); c.*120C>T (NM_001407096.1, NM_001407099.1, NM_001407102.1 and 2 more transcripts); c.*136C>T (NM_001407097.1, NM_001407100.1, NM_001407101.1 and 4 more transcripts); c.239C>T, p.Pro80Leu (NM_001407098.1); c.146C>T, p.Pro49Leu (NM_001407111.1, NM_001407112.1); c.144+17096C>T (NM_001271069.2); and 1 more; short protein forms P107L, P116L, P49L, P53L, P80L.
Identifiers: ClinVar variation 4082816 (VCV004082816.2).

ClinVar aggregate classification (germline): Uncertain significance. Review status: criteria provided, multiple submitters, no conflicts (2 of 4 stars). 2 submissions from 2 submitters: Uncertain significance (2). Last evaluated 2025-10-30.

Conditions:
Hereditary cancer-predisposing syndrome. Also called: Tumor predisposition; Neoplastic Syndromes, Hereditary; Hereditary neoplastic syndrome; Hereditary Cancer Syndrome. Identifiers: Orphanet 140162, MedGen C0027672, MeSH D009386, MONDO:0015356.

Submissions (2):

Ambry Genetics
Classification: Uncertain significance for Hereditary cancer-predisposing syndrome. Last evaluated: 2025-10-30. Review status: criteria provided, single submitter. Criteria: Ambry Variant Classification Scheme 2023. Collection method: clinical testing. Allele origin: germline.
Comment: The p.P116L variant (also known as c.347C>T), located in coding exon 5 of the MAX gene, results from a C to T substitution at nucleotide position 347. The proline at codon 116 is replaced by leucine, an amino acid with similar properties. This amino acid position is conserved. In addition, the in silico prediction for this alteration is inconclusive. Based on the available evidence, the clinical significance of this variant remains unclear.

GeneDx
Classification: Uncertain significance. Last evaluated: 2025-03-05. Review status: criteria provided, single submitter. Criteria: GeneDx Variant Classification Process June 2021. Collection method: clinical testing. Allele origin: germline. Affected: yes.
Comment: Not observed at significant frequency in large population cohorts (gnomAD); In silico analysis supports that this missense variant has a deleterious effect on protein structure/function; Has not been previously published as pathogenic or benign to our knowledge